The following is an entry in ClinVar:

ClinVar aggregate classification (germline): Uncertain significance (1 of 4 stars; one submission).

Conditions:
Familial acute necrotizing encephalopathy (IIAE3). Also called: ENCEPHALOPATHY, ACUTE, INFECTION-INDUCED, SUSCEPTIBILITY TO, 3; Susceptibility to Acute Necrotizing Encephalopathy 1. Identifiers: Orphanet 88619, MedGen C2675556, MONDO:0011953, OMIM 608033.

Submission:

Labcorp Genetics (formerly Invitae), Labcorp
Classification: Uncertain significance for Familial acute necrotizing encephalopathy. Last evaluated: 2022-09-19. Review status: criteria provided, single submitter. Criteria: Invitae Variant Classification Sherloc (09022015). Collection method: clinical testing. Allele origin: germline.
Comment: In summary, the available evidence is currently insufficient to determine the role of this variant in disease. Therefore, it has been classified as a Variant of Uncertain Significance. Algorithms developed to predict the effect of missense changes on protein structure and function output the following: SIFT: "Tolerated"; PolyPhen-2: "Benign"; Align-GVGD: "Class C0". The alanine amino acid residue is found in multiple mammalian species, which suggests that this missense change does not adversely affect protein function. ClinVar contains an entry for this variant (Variation ID: 580436). This variant has not been reported in the literature in individuals affected with RANBP2-related conditions. This variant is not present in population databases (gnomAD no frequency). This sequence change replaces serine, which is neutral and polar, with alanine, which is neutral and non-polar, at codon 730 of the RANBP2 protein (p.Ser730Ala).

NM_006267.5(RANBP2):c.2188T>G (p.Ser730Ala)

Gene: RANBP2 (RAN binding protein 2; plus strand). Cytogenetic location: 2q13.
Variant type: single nucleotide variant.
Coding change: c.2188T>G on transcript NM_006267.5 (MANE Select); coding-DNA position 2188, T replaced by G.
Protein change: p.Ser730Ala; replaces serine 730 with alanine.
Molecular consequence: missense variant.
Genome position (GRCh38, 1-based): chr2:108,753,957, T>G. VCF-style: chr2-108753957-T-G. GRCh37 (hg19) VCF-style: chr2-109370413-T-G.
Other names: short protein forms S730A.
Identifiers: ClinVar variation 580436 (VCV000580436.8), dbSNP rs1558906678, ClinGen allele CA348054577.
Genomic context (GRCh38, chr2:108,753,957, plus strand): 5'-TATCTGAGAAAGACCAGGGACTACCTAATAAAGATTATAGATGACAGTGATTCAAATCTT[T>G]CAGTGGTCAAGAAAGTAAGTAGCAGGTTGTTGTATGTACGTTCTTACTGATAACCCACTG-3'
Protein context (NP_006258.3, residues 720-740): KIIDDSDSNL[Ser730Ala]VVKKLPVPLE